The following is an entry in ClinVar:

ClinVar aggregate classification (germline): Uncertain significance. Review status: criteria provided, multiple submitters, no conflicts (2 of 4 stars). 3 submissions from 3 submitters: Uncertain significance (3). Last evaluated 2024-11-24.

Conditions:
Inborn genetic diseases. Identifiers: MedGen C0950123, MeSH D030342.

Allele frequency attached by ClinVar (database versions not stated): ExAC 0.00003; gnomAD exomes 0.00005 and 0.00006; TOPMed 0.00005; gnomAD 0.00007.
gnomAD v4.1: 107 of 1,612,432 alleles (0.0066%); highest among the groups gnomAD compares: Middle Eastern, 0.066%; no homozygotes.

Submissions (3):

Ambry Genetics
Classification: Uncertain significance for Inborn genetic diseases. Last evaluated: 2024-11-24. Review status: criteria provided, single submitter. Criteria: Ambry Variant Classification Scheme 2023. Collection method: clinical testing. Allele origin: germline.

Blueprint Genetics
Classification: Uncertain significance. Last evaluated: 2024-09-10. Review status: criteria provided, single submitter. Criteria: ACMG Guidelines, 2015. Collection method: clinical testing. Allele origin: germline.

Labcorp Genetics (formerly Invitae), Labcorp
Classification: Uncertain significance. Last evaluated: 2022-07-17. Review status: criteria provided, single submitter. Criteria: Invitae Variant Classification Sherloc (09022015). Collection method: clinical testing. Allele origin: germline.
Comment: This sequence change replaces leucine, which is neutral and non-polar, with phenylalanine, which is neutral and non-polar, at codon 289 of the RBP3 protein (p.Leu289Phe). This variant is present in population databases (rs782029087, gnomAD 0.008%). This variant has not been reported in the literature in individuals affected with RBP3-related conditions. ClinVar contains an entry for this variant (Variation ID: 953202). Algorithms developed to predict the effect of missense changes on protein structure and function are either unavailable or do not agree on the potential impact of this missense change (SIFT: "Deleterious"; PolyPhen-2: "Probably Damaging"; Align-GVGD: "Class C0"). In summary, the available evidence is currently insufficient to determine the role of this variant in disease. Therefore, it has been classified as a Variant of Uncertain Significance.

NM_002900.3(RBP3):c.865C>T (p.Leu289Phe)

Gene: RBP3 (retinol binding protein 3; plus strand). Cytogenetic location: 10q11.22.
Variant type: single nucleotide variant.
Coding change: c.865C>T on transcript NM_002900.3 (MANE Select); coding-DNA position 865, C replaced by T.
Protein change: p.Leu289Phe; replaces leucine 289 with phenylalanine.
Molecular consequence: missense variant.
Genome position (GRCh38, 1-based): chr10:47,349,349, C>T. VCF-style: chr10-47349349-C-T. GRCh37 (hg19) VCF-style: chr10-48390013-G-A.
Other names: short protein forms L289F.
Identifiers: ClinVar variation 953202 (VCV000953202.7), dbSNP rs782029087, ClinGen allele CA5487674.